The following is an entry in ClinVar:

NM_000535.5(PMS2):c.989-?_1144+?del

Gene: PMS2 (PMS1 homolog 2, mismatch repair system component; minus strand). Cytogenetic location: 7p22.1.
Variant type: Deletion.
Coding change: c.989-?_1144+?del on transcript NM_000535.5.
Other names: c.989-?_1144+?del (LRG_161t1).
Identifiers: ClinVar variation 216076 (VCV000216076.1).

ClinVar aggregate classification (germline): Pathogenic (1 of 4 stars; one submission).

Conditions:
Lynch syndrome. Identifiers: Orphanet 144, MedGen C4552100, MONDO:0005835. Disease mechanism: loss of function.

Submission:

Labcorp Genetics (formerly Invitae), Labcorp
Classification: Pathogenic for Hereditary nonpolyposis colorectal neoplasms. Last evaluated: 2016-12-24. Review status: criteria provided, single submitter. Criteria: Invitae Variant Classification Sherloc (09022015). Collection method: clinical testing. Allele origin: germline.
Comment: This sequence change is a gross deletion of the genomic region encompassing exon 10 of the PMS2 gene. This leads to the deletion of 52 amino acid residues in the PMS2 protein (p.Glu330_Glu381del), but is otherwise expected to preserve the integrity of the reading frame. Similar deletions of exon 10 have been reported in several patients with Lynch syndrome (PMID: 23837913, 22577899, 18602922). For these reasons, this deletion has been classified as Pathogenic.